The following is an entry in ClinVar:

ClinVar aggregate classification (germline): Uncertain significance (1 of 4 stars; one submission).

gnomAD v4.1: 2 of 1,539,142 alleles (0.00013%); highest among the groups gnomAD compares: Non-Finnish European, 0.000087%; no homozygotes.

Submission:

ARUP Laboratories, Molecular Genetics and Genomics, ARUP Laboratories
Classification: Uncertain significance. Last evaluated: 2025-06-27. Review status: criteria provided, single submitter. Criteria: ARUP Molecular Germline Variant Investigation Process 2024. Collection method: clinical testing. Allele origin: germline.
Comment: The CPT2 c.118G>A; p.Val40Met variant, to our knowledge, is not reported in the medical literature or gene specific databases. This variant is also absent from the Genome Aggregation Database (v2.1.1), indicating it is not a common polymorphism. Computational analyses are uncertain whether this variant is neutral or deleterious (REVEL: 0.388). Due to limited information, the clinical significance of this variant is uncertain at this time.

NM_000098.3(CPT2):c.118G>A (p.Val40Met)

Genes: CPT2 (carnitine palmitoyltransferase 2; plus strand), LOC129930561 (ATAC-STARR-seq lymphoblastoid silent region 902; plus strand). Cytogenetic location: 1p32.3.
Variant type: single nucleotide variant.
Coding change: c.118G>A on transcript NM_000098.3 (MANE Select); coding-DNA position 118, G replaced by A.
Protein change: p.Val40Met; replaces valine 40 with methionine.
Molecular consequence: missense variant.
Genome position (GRCh38, 1-based): chr1:53,197,061, G>A. VCF-style: chr1-53197061-G-A. GRCh37 (hg19) VCF-style: chr1-53662733-G-A.
Other names: c.118G>A, p.Val40Met (NM_001330589.2); short protein forms V40M.
Identifiers: ClinVar variation 4685923 (VCV004685923.1).
Genomic context (GRCh38, chr1:53,197,061, plus strand): 5'-GCCCCCAGTCGGCCCCTCAGCGCCGGCTCCGGGCCCGGCCAGTACCTGCAGCGCAGCATC[G>A]TGCCCACCATGCACTACCAGGACAGCCTGCCCAGGTGAGCCTGGCCTCCGGGTCCCCGCC-3'
Protein context (NP_000089.1, residues 30-50): GPGQYLQRSI[Val40Met]PTMHYQDSLP